The following is an entry in ClinVar:

ClinVar aggregate classification (germline): Likely pathogenic (1 of 4 stars; one submission).

Conditions:
Pelizaeus-Merzbacher disease. Also called: LEUKODYSTROPHY, HYPOMYELINATING, 1; Sudanophilic leukodystrophy; Pelizaeus-Merzbacher spectrum disorder; Pelizaeus-Merzbacher Disease (PMD); Pelizeaus-Merzbacher spectrum disorder. Identifiers: Orphanet 702, MedGen C0205711, MONDO:0010714, OMIM 312080, HP:0003269.

Submission:

Molecular Diagnostics Lab, Nemours Children's Health, Delaware
Classification: Likely pathogenic for Pelizaeus-Merzbacher disease. Last evaluated: 2021-03-31. Review status: criteria provided, single submitter. Criteria: ACMG Guidelines, 2015. Collection method: clinical testing. Allele origin: maternal, unknown. Inheritance: X-linked inheritance. Affected: yes and no. Observed: 6 heterozygotes, 3 hemizygotes. Clinical features observed: Hypotonia (HP:0001252), Global developmental delay (HP:0001263), Vocal cord paralysis (HP:0001605).
Comment: This missense variant (c.260T>C, p.Leu887Pro) has not been observed in population databases (gnomAD). It has been described in the literature (PMID 24139698). Variant prediction programs suggest a deleterious effect on the PLP1 protein, but no functional studies have been published.

Literature cited by the submitters: PubMed 16454941; PubMed 30195779.

NM_000533.5(PLP1):c.260T>C (p.Leu87Pro)

Genes: PLP1 (proteolipid protein 1; plus strand), RAB9B (RAB9B, member RAS oncogene family; minus strand). Cytogenetic location: Xq22.2.
Variant type: single nucleotide variant.
Coding change: c.260T>C on transcript NM_000533.5 (MANE Select); coding-DNA position 260, T replaced by C.
Protein change: p.Leu87Pro; replaces leucine 87 with proline.
Molecular consequence: missense variant.
Genome position (GRCh38, 1-based): chrX:103,786,533, T>C. VCF-style: chrX-103786533-T-C. GRCh37 (hg19) VCF-style: chrX-103041462-T-C.
Other names: c.260T>C, p.Leu87Pro (NM_001128834.3, NM_199478.3); c.95T>C, p.Leu32Pro (NM_001305004.1); short protein forms L32P, L87P.
Identifiers: ClinVar variation 3255417 (VCV003255417.2), dbSNP rs2522307136.
Genomic context (GRCh38, chrX:103,786,533, plus strand): 5'-CCTTCCAGTATGTCATCTATGGAACTGCCTCTTTCTTCTTCCTTTATGGGGCCCTCCTGC[T>C]GGCTGAGGGCTTCTACACCACCGGCGCAGTCAGGCAGATCTTTGGCGACTACAAGACCAC-3'
Protein context (NP_000524.3, residues 77-97): SFFFLYGALL[Leu87Pro]AEGFYTTGAV